The following is an entry in ClinVar:

ClinVar aggregate classification (germline): Likely benign (1 of 4 stars; one submission).

Submission:

GeneDx
Classification: Likely benign. Last evaluated: 2016-09-14. Review status: criteria provided, single submitter. Criteria: GeneDx Variant Classification (06012015). Collection method: clinical testing. Allele origin: germline. Affected: yes.
Comment: This variant is considered likely benign or benign based on one or more of the following criteria: it is a conservative change, it occurs at a poorly conserved position in the protein, it is predicted to be benign by multiple in silico algorithms, and/or has population frequency not consistent with disease.

NM_022356.4(P3H1):c.619-5A>C

Gene: P3H1 (prolyl 3-hydroxylase 1; minus strand). Cytogenetic location: 1p34.2.
Variant type: single nucleotide variant.
Coding change: c.619-5A>C on transcript NM_022356.4 (MANE Select); 5 bases into the intron before coding-DNA position 619, A replaced by C.
Molecular consequence: intron variant.
Genome position (GRCh38, 1-based): chr1:42,759,395, T>G on the plus strand (A>C on the coding strand, the complement: P3H1 is on the minus strand). VCF-style: chr1-42759395-T-G. GRCh37 (hg19) VCF-style: chr1-43225066-T-G.
Other names: c.619-5A>C (NM_001146289.2, NM_001243246.2).
Identifiers: ClinVar variation 389151 (VCV000389151.1), dbSNP rs1057523341, ClinGen allele CA16603642.